The following is an entry in ClinVar:

NM_001171.6(ABCC6):c.2536dup (p.Ala846fs)

Gene: ABCC6 (ATP binding cassette subfamily C member 6; minus strand). Cytogenetic location: 16p13.11.
Variant type: Duplication.
Coding change: c.2536dup on transcript NM_001171.6 (MANE Select); coding-DNA position 2536, one base duplicated (G; older notation c.2536dupG).
Protein change: p.Ala846fs; shifts the reading frame from alanine 846.
Molecular consequence: frameshift variant.
Genome position (GRCh38, 1-based): chr16:16,177,506, C duplicated on the plus strand (G on the coding strand, the reverse complement: ABCC6 is on the minus strand); the first of 5 consecutive C bases (chr16:16,177,506-16,177,510); duplicating any one gives the same sequence. VCF-style (leftmost placement, unchanged base first): chr16-16177505-G-GC. GRCh37 (hg19) VCF-style: chr16-16271362-G-GC.
Other names: c.2536dupG (NM_001171.5); c.2194dup, p.Ala732fs (NM_001351800.1); short protein forms A732fs, A846fs.
Identifiers: ClinVar variation 1413432 (VCV001413432.7), dbSNP rs2152249910, ClinGen allele CA2573151905.

ClinVar aggregate classification (germline): Pathogenic. Review status: criteria provided, multiple submitters, no conflicts (2 of 4 stars). 2 submissions from 2 submitters: Pathogenic (2). Last evaluated 2025-07-08.

Conditions:
Inborn genetic diseases. Identifiers: MedGen C0950123, MeSH D030342.

Submissions (2):

Ambry Genetics
Classification: Pathogenic for Inborn genetic diseases. Last evaluated: 2025-07-08. Review status: criteria provided, single submitter. Criteria: Ambry Variant Classification Scheme 2023. Collection method: clinical testing. Allele origin: germline.
Comment: The c.2536dupG (p.A846Gfs*15) alteration, located in exon 19 (coding exon 19) of the ABCC6 gene, consists of a duplication of G at position 2536, causing a translational frameshift with a predicted alternate stop codon after 15 amino acids. This alteration is expected to result in loss of function by premature protein truncation or nonsense-mediated mRNA decay. This variant was not reported in population-based cohorts in the Genome Aggregation Database (gnomAD). Based on the available evidence, this alteration is classified as pathogenic.

Labcorp Genetics (formerly Invitae), Labcorp
Classification: Pathogenic. Last evaluated: 2025-02-17. Review status: criteria provided, single submitter. Criteria: Invitae Variant Classification Sherloc (09022015). Collection method: clinical testing. Allele origin: germline.
Comment: This sequence change creates a premature translational stop signal (p.Ala846Glyfs*15) in the ABCC6 gene. It is expected to result in an absent or disrupted protein product. Loss-of-function variants in ABCC6 are known to be pathogenic (PMID: 11536079, 17617515). This variant is not present in population databases (gnomAD no frequency). This variant has not been reported in the literature in individuals affected with ABCC6-related conditions. ClinVar contains an entry for this variant (Variation ID: 1413432). Algorithms developed to predict the effect of sequence changes on RNA splicing suggest that this variant may disrupt the consensus splice site. For these reasons, this variant has been classified as Pathogenic.

Literature cited by the submitters: PubMed 11536079 (cited by Labcorp Genetics (formerly Invitae), Labcorp); PubMed 17617515 (cited by Labcorp Genetics (formerly Invitae), Labcorp).